The following is an entry in ClinVar:

NM_015450.3(POT1):c.153C>G (p.Asp51Glu)

Gene: POT1 (protection of telomeres 1; minus strand). Cytogenetic location: 7q31.33.
Variant type: single nucleotide variant.
Coding change: c.153C>G on transcript NM_015450.3 (MANE Select); coding-DNA position 153, C replaced by G.
Protein change: p.Asp51Glu; replaces aspartic acid 51 with glutamic acid.
Molecular consequence: missense variant. On other transcripts: non-coding transcript variant (3), intron variant (1).
Genome position (GRCh38, 1-based): chr7:124,871,013, G>C on the plus strand (C>G on the coding strand, the complement: POT1 is on the minus strand). VCF-style: chr7-124871013-G-C. GRCh37 (hg19) VCF-style: chr7-124511067-G-C.
Other names: c.-138-7373C>G (NM_001042594.2); short protein forms D51E.
Identifiers: ClinVar variation 3781997 (VCV003781997.1).

ClinVar aggregate classification (germline): Uncertain significance (1 of 4 stars; one submission).

Conditions:
Hereditary cancer-predisposing syndrome. Also called: Neoplastic Syndromes, Hereditary; Hereditary Cancer Syndrome; Tumor predisposition; Hereditary neoplastic syndrome. Identifiers: Orphanet 140162, MedGen C0027672, MeSH D009386, MONDO:0015356.

Submission:

Ambry Genetics
Classification: Uncertain significance for Hereditary cancer-predisposing syndrome. Last evaluated: 2025-01-17. Review status: criteria provided, single submitter. Criteria: Ambry Variant Classification Scheme 2023. Collection method: clinical testing. Allele origin: germline.
Comment: The p.D51E variant (also known as c.153C>G), located in coding exon 3 of the POT1 gene, results from a C to G substitution at nucleotide position 153. The aspartic acid at codon 51 is replaced by glutamic acid, an amino acid with highly similar properties. This amino acid position is conserved. In addition, this alteration is predicted to be deleterious by in silico analysis. Based on the available evidence, the clinical significance of this variant remains unclear.